The following is an entry in ClinVar:

ClinVar aggregate classification (germline): Uncertain significance (1 of 4 stars; one submission).

Allele frequency attached by ClinVar (database versions not stated): gnomAD exomes below 0.00001; TOPMed 0.00001.
gnomAD v4.1: 2 of 1,589,122 alleles (0.00013%); highest among the groups gnomAD compares: African/African-American, 0.0027%; no homozygotes.

Submission:

Labcorp Genetics (formerly Invitae), Labcorp
Classification: Uncertain significance. Last evaluated: 2022-08-15. Review status: criteria provided, single submitter. Criteria: Invitae Variant Classification Sherloc (09022015). Collection method: clinical testing. Allele origin: germline.
Comment: In summary, the available evidence is currently insufficient to determine the role of this variant in disease. Therefore, it has been classified as a Variant of Uncertain Significance. Algorithms developed to predict the effect of sequence changes on RNA splicing suggest that this variant is not likely to affect RNA splicing. This variant has not been reported in the literature in individuals affected with RALA-related conditions. This variant is present in population databases (no rsID available, gnomAD 0.007%). This sequence change affects codon 108 of the RALA mRNA. It is a 'silent' change, meaning that it does not change the encoded amino acid sequence of the RALA protein. It affects a nucleotide within the consensus splice site.

NM_005402.4(RALA):c.324G>A (p.Arg108=)

Gene: RALA (RAS like proto-oncogene A; plus strand). Cytogenetic location: 7p14.1.
Variant type: single nucleotide variant.
Coding change: c.324G>A on transcript NM_005402.4 (MANE Select); coding-DNA position 324, G replaced by A.
Protein change: p.Arg108=; no amino-acid change (arginine 108 retained).
Molecular consequence: synonymous variant.
Genome position (GRCh38, 1-based): chr7:39,696,685, G>A. VCF-style: chr7-39696685-G-A. GRCh37 (hg19) VCF-style: chr7-39736284-G-A.
Identifiers: ClinVar variation 1963882 (VCV001963882.5), dbSNP rs902537344, ClinGen allele CA157681772.
Genomic context (GRCh38, chr7:39,696,685, plus strand): 5'-AAGAACTTTCTGTGCTATCCTTATAATGTTAATATTTCTTTTTCATTTTCTCTTATCCAG[G>A]GAGCAGATTTTAAGAGTAAAAGAAGATGAGAATGTTCCATTTCTACTGGTTGGTAACAAA-3'
Protein context (NP_005393.2, residues 98-118): MESFAATADF[Arg108=]EQILRVKEDE